The following is an entry in ClinVar:

ClinVar aggregate classification (germline): Uncertain significance. Review status: criteria provided, multiple submitters, no conflicts (2 of 4 stars). 2 submissions from 2 submitters: Uncertain significance (2). Last evaluated 2024-01-02.

Conditions:
Hereditary cancer-predisposing syndrome. Also called: Neoplastic Syndromes, Hereditary; Tumor predisposition; Hereditary neoplastic syndrome; Hereditary Cancer Syndrome. Identifiers: Orphanet 140162, MedGen C0027672, MeSH D009386, MONDO:0015356.

Submissions (2):

Ambry Genetics
Classification: Uncertain significance for Hereditary cancer-predisposing syndrome. Last evaluated: 2024-01-02. Review status: criteria provided, single submitter. Criteria: Ambry Variant Classification Scheme 2023. Collection method: clinical testing. Allele origin: germline.
Comment: The c.1027+1A>G intronic variant results from an A to G substitution one nucleotide after coding exon 6 of the MSH3 gene. This alteration is located within a U12-type intron and in silico tools are not reliable predictors of splice sites in this type of intron. In addition, direct evidence is insufficient at this time (Ambry internal data). This nucleotide position is well conserved in available vertebrate species. Since supporting evidence is limited at this time, the clinical significance of this alteration remains unclear.

Labcorp Genetics (formerly Invitae), Labcorp
Classification: Uncertain significance. Last evaluated: 2021-08-03. Review status: criteria provided, single submitter. Criteria: Invitae Variant Classification Sherloc (09022015). Collection method: clinical testing. Allele origin: germline.
Comment: This sequence change falls in intron 6 of the MSH3 gene. It does not directly change the encoded amino acid sequence of the MSH3 protein. It affects a nucleotide within the consensus splice site of the intron. This variant is not present in population databases (ExAC no frequency). This variant has not been reported in the literature in individuals affected with MSH3-related conditions. Nucleotide substitutions within the consensus splice site are a relatively common cause of aberrant splicing (PMID: 17576681, 9536098). In summary, the available evidence is currently insufficient to determine the role of this variant in disease. Therefore, it has been classified as a Variant of Uncertain Significance.

Literature cited by the submitters: PubMed 17576681 (cited by Labcorp Genetics (formerly Invitae), Labcorp); PubMed 9536098 (cited by Labcorp Genetics (formerly Invitae), Labcorp).

NM_002439.5(MSH3):c.1027+1A>G

Genes: MSH3 (mutS homolog 3; plus strand), LOC126807437 (MED14-independent group 3 enhancer GRCh37_chr5:79968379-79969578; plus strand). Cytogenetic location: 5q14.1.
Variant type: single nucleotide variant.
Coding change: c.1027+1A>G on transcript NM_002439.5 (MANE Select); the canonical splice donor site of the intron after coding-DNA position 1027, A replaced by G.
Molecular consequence: splice donor variant.
Genome position (GRCh38, 1-based): chr5:80,672,859, A>G. VCF-style: chr5-80672859-A-G. GRCh37 (hg19) VCF-style: chr5-79968678-A-G.
Other names: c.1027+1A>G (NM_002439.3).
Identifiers: ClinVar variation 1372133 (VCV001372133.7), dbSNP rs1580552363, ClinGen allele CA360267566.
Genomic context (GRCh38, chr5:80,672,859, plus strand): 5'-GTTCACTCTTTTCCCGGAAATTGACTGCCCTTTATACAAAATCTACACTTATTGGAGAAG[A>G]TATCCTTTTTGGACGGGAGTTTTTCTCTTAAATGATACAAGGGCTTTGTTGGCAGGTTTT-3'